The following is an entry in ClinVar:

NM_005996.4(TBX3):c.1172C>T (p.Ala391Val)

Gene: TBX3 (T-box transcription factor 3; minus strand). Cytogenetic location: 12q24.21.
Variant type: single nucleotide variant.
Coding change: c.1172C>T on transcript NM_005996.4 (MANE Select); coding-DNA position 1172, C replaced by T.
Protein change: p.Ala391Val; replaces alanine 391 with valine.
Molecular consequence: missense variant.
Genome position (GRCh38, 1-based): chr12:114,674,703, G>A on the plus strand (C>T on the coding strand, the complement: TBX3 is on the minus strand). VCF-style: chr12-114674703-G-A. GRCh37 (hg19) VCF-style: chr12-115112508-G-A.
Other names: c.1232C>T, p.Ala411Val (NM_016569.4); short protein forms A391V, A411V.
Identifiers: ClinVar variation 2634286 (VCV002634286.2), dbSNP rs755311630, ClinGen allele CA6809978.

ClinVar aggregate classification (germline): Uncertain significance (0 of 4 stars; one submission).

Conditions:
TBX3-related disorder. Also called: TBX3-related condition.

Submission:

PreventionGenetics, part of Exact Sciences
Classification: Uncertain significance for TBX3-related condition. Last evaluated: 2024-08-29. Review status: no assertion criteria provided. Collection method: clinical testing. Allele origin: germline.
Comment: The TBX3 c.1232C>T variant is predicted to result in the amino acid substitution p.Ala411Val. To our knowledge, this variant has not been reported in the literature. This variant is reported in 0.0029% of alleles in individuals of European (Non-Finnish) descent in gnomAD. At this time, the clinical significance of this variant is uncertain due to the absence of conclusive functional and genetic evidence.